The following is an entry in ClinVar:

NM_006766.5(KAT6A):c.1903G>A (p.Glu635Lys)

Gene: KAT6A (lysine acetyltransferase 6A; minus strand). Cytogenetic location: 8p11.21.
Variant type: single nucleotide variant.
Coding change: c.1903G>A on transcript NM_006766.5 (MANE Select); coding-DNA position 1903, G replaced by A.
Protein change: p.Glu635Lys; replaces glutamic acid 635 with lysine.
Molecular consequence: missense variant.
Genome position (GRCh38, 1-based): chr8:41,946,684, C>T on the plus strand (G>A on the coding strand, the complement: KAT6A is on the minus strand). VCF-style: chr8-41946684-C-T. GRCh37 (hg19) VCF-style: chr8-41804202-C-T.
Other names: c.1903G>A, p.Glu635Lys (NM_001305878.2); short protein forms E635K.
Identifiers: ClinVar variation 2443415 (VCV002443415.1), dbSNP rs2486784166, ClinGen allele CA371073722.

ClinVar aggregate classification (germline): Uncertain significance (1 of 4 stars; one submission).

Allele frequency attached by ClinVar (database versions not stated): gnomAD exomes below 0.00001.
gnomAD v4.1: 1 of 1,575,392 alleles (0.000063%); highest among the groups gnomAD compares: Non-Finnish European, 0.000087%; no homozygotes.

Submission:

GeneDx
Classification: Uncertain significance. Last evaluated: 2022-09-12. Review status: criteria provided, single submitter. Criteria: GeneDx Variant Classification Process June 2021. Collection method: clinical testing. Allele origin: germline. Affected: yes.
Comment: Not observed at significant frequency in large population cohorts (gnomAD); In silico analysis supports that this missense variant has a deleterious effect on protein structure/function; Has not been previously published as pathogenic or benign to our knowledge